The following is an entry in ClinVar:

NM_133259.4(LRPPRC):c.587A>C (p.Asn196Thr)

Gene: LRPPRC (leucine rich pentatricopeptide repeat containing; minus strand). Cytogenetic location: 2p21.
Variant type: single nucleotide variant.
Coding change: c.587A>C on transcript NM_133259.4 (MANE Select); coding-DNA position 587, A replaced by C.
Protein change: p.Asn196Thr; replaces asparagine 196 with threonine.
Molecular consequence: missense variant.
Genome position (GRCh38, 1-based): chr2:43,977,159, T>G on the plus strand (A>C on the coding strand, the complement: LRPPRC is on the minus strand). VCF-style: chr2-43977159-T-G. GRCh37 (hg19) VCF-style: chr2-44204298-T-G.
Other names: short protein forms N196T.
Identifiers: ClinVar variation 214619 (VCV000214619.3), dbSNP rs199727887, ClinGen allele CA322747.

ClinVar aggregate classification (germline): Uncertain significance. Review status: no assertion criteria provided (0 of 4 stars). 2 submissions from 2 submitters: Uncertain significance (2). Last evaluated 2017-01-05.

Conditions:
Congenital lactic acidosis, Saguenay-Lac-Saint-Jean type (MC4DN5). Also called: CYTOCHROME c OXIDASE DEFICIENCY, FRENCH CANADIAN TYPE; COX DEFICIENCY, FRENCH CANADIAN TYPE; MITOCHONDRIAL COMPLEX IV DEFICIENCY, NUCLEAR TYPE 5. Identifiers: Orphanet 70472, MedGen C1857355, MONDO:0009069, OMIM 220111.

Allele frequency attached by ClinVar (database versions not stated): gnomAD exomes 0.00008 and 0.00025; ExAC 0.00009; gnomAD 0.00009; TOPMed 0.00015; 1000 Genomes Project 30x 0.00016; 1000 Genomes Project 0.00020.
gnomAD v4.1: 376 of 1,612,100 alleles (0.023%); highest among the groups gnomAD compares: Non-Finnish European, 0.03%; no homozygotes.

Submissions (2):

Counsyl
Classification: Uncertain significance for Congenital lactic acidosis, Saguenay-Lac-Saint-Jean type. Last evaluated: 2017-01-05. Review status: no assertion criteria provided. Collection method: clinical testing. Allele origin: unknown.

Department of Pathology and Laboratory Medicine, Sinai Health System
Classification: Uncertain significance. Review status: no assertion criteria provided. Collection method: clinical testing. Allele origin: unknown. Affected: yes. Study: The Canadian Open Genetics Repository (COGR).
Comment: The LRPPRC p.Asn196Thr variant was not identified in the literature nor was it identified in LOVD 3.0. The variant was identified in dbSNP (ID: rs199727887) and ClinVar (classified as a VUS by Counsyl for Leigh syndrome, French Canadian type). The variant was also identified in control databases in 23 of 282530 chromosomes at a frequency of 0.000081 (Genome Aggregation Database March 6, 2019, v2.1.1). The variant was observed in the following populations: European (non-Finnish) in 20 of 128914 chromosomes (freq: 0.000155), Other in 1 of 7204 chromosomes (freq: 0.000139), African in 1 of 24958 chromosomes (freq: 0.00004) and European (Finnish) in 1 of 25110 chromosomes (freq: 0.00004), but was not observed in the Latino, Ashkenazi Jewish, East Asian or South Asian populations. The p.Asn196 residue is conserved in mammals and computational analyses (PolyPhen-2, SIFT, AlignGVGD, BLOSUM, MutationTaster) provide inconsistent predictions regarding the impact to the protein; this information is not very predictive of pathogenicity. The variant occurs outside of the splicing consensus sequence and in silico or computational prediction software programs (SpliceSiteFinder, MaxEntScan, NNSPLICE, GeneSplicer) do not predict a difference in splicing. In summary, based on the above information the clinical significance of this variant cannot be determined with certainty at this time. This variant is classified as a variant of uncertain significance.